The following is an entry in ClinVar:

ClinVar aggregate classification (germline): Uncertain significance (1 of 4 stars; one submission).

Conditions:
Hereditary pheochromocytoma and paraganglioma. Also called: Hereditary paragangliomas and pheochromocytomas; Hereditary Paraganglioma-Pheochromocytoma Syndromes; Hereditary pheochromocytoma-paraganglioma. Identifiers: Orphanet 29072, MedGen C4274332, MONDO:0017366.

Submission:

Labcorp Genetics (formerly Invitae), Labcorp
Classification: Uncertain significance for Hereditary pheochromocytoma and paraganglioma. Last evaluated: 2023-03-16. Review status: criteria provided, single submitter. Criteria: Invitae Variant Classification Sherloc (09022015). Collection method: clinical testing. Allele origin: germline.
Comment: In summary, the available evidence is currently insufficient to determine the role of this variant in disease. Therefore, it has been classified as a Variant of Uncertain Significance. An algorithm developed to predict the effect of missense changes on protein structure and function (PolyPhen-2) suggests that this variant is likely to be disruptive. This variant has not been reported in the literature in individuals affected with MAX-related conditions. This variant is not present in population databases (gnomAD no frequency). This sequence change replaces lysine, which is basic and polar, with asparagine, which is neutral and polar, at codon 66 of the MAX protein (p.Lys66Asn).

NM_002382.5(MAX):c.198A>C (p.Lys66Asn)

Gene: MAX (MYC associated transcriptional regulator X; minus strand). Cytogenetic location: 14q23.3.
Variant type: single nucleotide variant.
Coding change: c.198A>C on transcript NM_002382.5 (MANE Select); coding-DNA position 198, A replaced by C.
Protein change: p.Lys66Asn; replaces lysine 66 with asparagine.
Molecular consequence: missense variant. On other transcripts: 5 prime UTR variant (6), non-coding transcript variant (7), intron variant (2).
Genome position (GRCh38, 1-based): chr14:65,078,010, T>G on the plus strand (A>C on the coding strand, the complement: MAX is on the minus strand). VCF-style: chr14-65078010-T-G. GRCh37 (hg19) VCF-style: chr14-65544728-T-G.
Other names: c.-77A>C (NM_001320415.2, NM_001407105.1, NM_001407106.1 and 1 more transcripts); c.198A>C, p.Lys66Asn (NM_001407094.1, NM_001407096.1, NM_001407097.1 and 3 more transcripts); c.171A>C, p.Lys57Asn (NM_001407095.1, NM_001407099.1, NM_001407100.1 and 6 more transcripts); c.90A>C, p.Lys30Asn (NM_001407098.1); c.-170A>C (NM_001407111.1, NM_001407112.1); c.144+15698A>C (NM_001271069.2); c.171+15698A>C (NM_197957.4); short protein forms K30N, K66N, K57N.
Identifiers: ClinVar variation 2846131 (VCV002846131.3), dbSNP rs2139755378, ClinGen allele CA390035897.
Genomic context (GRCh38, chr14:65,078,010, plus strand): 5'-GTCAATATCTTGCTGGTGTGTGTGGTTTTTCCTTCGCATATACTGGATATATTCTGTGGC[T>G]TTGTCTAGGATTTGGGCCCGGGATGCCTGTGGCAATATGAGAAAAAGCACAGGGGACAAA-3'
Protein context (NP_002373.3, residues 56-76): EKASRAQILD[Lys66Asn]ATEYIQYMRR